The following is an entry in ClinVar:

ClinVar aggregate classification (germline): Uncertain significance. Review status: criteria provided, multiple submitters, no conflicts (2 of 4 stars). 2 submissions from 2 submitters: Uncertain significance (2). Last evaluated 2025-08-24.

Conditions:
NR3C1-related disorder. Also called: NR3C1-related condition.
Glucocorticoid resistance. Also called: Glucocorticoid resistance, generalized; Gccr deficiency; Glucocorticoid receptor deficiency; Cortisol resistance from glucocorticoid receptor defect; Gcr deficiency. Identifiers: Orphanet 786, MedGen C1841972, MONDO:0014421, OMIM 615962.

gnomAD v4.1: 118 of 1,614,074 alleles (0.0073%); highest among the groups gnomAD compares: Non-Finnish European, 0.0096%; no homozygotes.

Submissions (2):

PreventionGenetics, part of Exact Sciences
Classification: Uncertain significance for NR3C1-related condition. Last evaluated: 2025-08-24. Review status: criteria provided, single submitter. Criteria: ACMG Guidelines, 2015. Collection method: clinical testing. Allele origin: germline.
Comment: The NR3C1 c.87C>G variant is predicted to result in the amino acid substitution p.Phe29Leu. To our knowledge, this variant has not been reported in the literature. This variant is reported in 0.0062% of alleles in individuals of European (Non-Finnish) descent in gnomAD. At this time, the clinical significance of this variant is uncertain due to the absence of conclusive functional and genetic evidence.

Fulgent Genetics
Classification: Uncertain significance for Glucocorticoid resistance. Last evaluated: 2024-02-14. Review status: criteria provided, single submitter. Criteria: ACMG Guidelines, 2015. Collection method: clinical testing. Allele origin: germline.

NM_000176.3(NR3C1):c.87C>G (p.Phe29Leu)

Gene: NR3C1 (nuclear receptor subfamily 3 group C member 1; minus strand). Cytogenetic location: 5q31.3.
Variant type: single nucleotide variant.
Coding change: c.87C>G on transcript NM_000176.3 (MANE Select); coding-DNA position 87, C replaced by G.
Protein change: p.Phe29Leu; replaces phenylalanine 29 with leucine.
Molecular consequence: missense variant. On other transcripts: 5 prime UTR variant (6).
Genome position (GRCh38, 1-based): chr5:143,400,753, G>C on the plus strand (C>G on the coding strand, the complement: NR3C1 is on the minus strand). VCF-style: chr5-143400753-G-C. GRCh37 (hg19) VCF-style: chr5-142780318-G-C.
Other names: c.87C>G, p.Phe29Leu (NM_001018077.1, NM_001020825.2, NM_001024094.2 and 10 more transcripts); c.9C>G, p.Phe3Leu (NM_001204258.2); c.-169C>G (NM_001204259.2); c.-181C>G (NM_001204260.2); c.-205C>G (NM_001204261.2); c.-859C>G (NM_001204262.2); c.-904C>G (NM_001204263.2); c.-919C>G (NM_001204264.2); short protein forms F29L, F3L.
Identifiers: ClinVar variation 3591860 (VCV003591860.2).